The following is an entry in ClinVar:

NM_020937.4(FANCM):c.5502T>G (p.Ile1834Met)

Gene: FANCM (FA complementation group M; plus strand). Cytogenetic location: 14q21.2.
Variant type: single nucleotide variant.
Coding change: c.5502T>G on transcript NM_020937.4 (MANE Select); coding-DNA position 5502, T replaced by G.
Protein change: p.Ile1834Met; replaces isoleucine 1834 with methionine.
Molecular consequence: missense variant.
Genome position (GRCh38, 1-based): chr14:45,196,333, T>G. VCF-style: chr14-45196333-T-G. GRCh37 (hg19) VCF-style: chr14-45665536-T-G.
Other names: c.5424T>G, p.Ile1808Met (NM_001308133.2); short protein forms I1834M, I1808M.
Identifiers: ClinVar variation 3848590 (VCV003848590.1).
Genomic context (GRCh38, chr14:45,196,333, plus strand): 5'-AGGAAAAGGAACCTGTATTCTTGTAGGTGGTCATGAAATCACTTCTGGATTAGAAGTAAT[T>G]TCTTCCCTAAGAGCAATTCATGGGTTGCAAGTAGAAGTTTGTCCTCTTAATGGCTGTGAT-3'
Protein context (NP_065988.1, residues 1824-1844): GHEITSGLEV[Ile1834Met]SSLRAIHGLQ

ClinVar aggregate classification (germline): Uncertain significance (1 of 4 stars; one submission).

Conditions:
Inborn genetic diseases. Identifiers: MedGen C0950123, MeSH D030342.

Submission:

Ambry Genetics
Classification: Uncertain significance for Inborn genetic diseases. Last evaluated: 2025-01-05. Review status: criteria provided, single submitter. Criteria: Ambry Variant Classification Scheme 2023. Collection method: clinical testing. Allele origin: germline.
Comment: The p.I1834M variant (also known as c.5502T>G), located in coding exon 21 of the FANCM gene, results from a T to G substitution at nucleotide position 5502. The isoleucine at codon 1834 is replaced by methionine, an amino acid with highly similar properties. This amino acid position is conserved. In addition, this alteration is predicted to be tolerated by in silico analysis. Based on the available evidence, the clinical significance of this variant remains unclear.